The following is an entry in ClinVar:

ClinVar aggregate classification (germline): Uncertain significance (1 of 4 stars; one submission).

Conditions:
Charcot-Marie-Tooth disease dominant intermediate F. Identifiers: Orphanet 352670, MedGen C4749463, MONDO:0014074, OMIM 615185.

Submission:

Labcorp Genetics (formerly Invitae), Labcorp
Classification: Uncertain significance for Charcot-Marie-Tooth disease dominant intermediate F. Last evaluated: 2021-02-23. Review status: criteria provided, single submitter. Criteria: Invitae Variant Classification Sherloc (09022015). Collection method: clinical testing. Allele origin: germline.
Comment: This sequence change creates a premature translational stop signal (p.Ser35Glnfs*17) in the GNB4 gene. It is expected to result in an absent or disrupted protein product. However, the current clinical and genetic evidence is not sufficient to establish whether loss-of-function variants in GNB4 cause disease. This variant is not present in population databases (ExAC no frequency). This variant has not been reported in the literature in individuals with GNB4-related conditions. In summary, the available evidence is currently insufficient to determine the role of this variant in disease. Therefore, it has been classified as a Variant of Uncertain Significance.

NM_021629.4(GNB4):c.102del (p.Ser35fs)

Gene: GNB4 (G protein subunit beta 4; minus strand). Cytogenetic location: 3q26.33.
Variant type: Deletion.
Coding change: c.102del on transcript NM_021629.4 (MANE Select); coding-DNA position 102, one base deleted (A; older notation c.102delA).
Protein change: p.Ser35fs; shifts the reading frame from serine 35.
Molecular consequence: frameshift variant.
Genome position (GRCh38, 1-based): chr3:179,419,500, T deleted on the plus strand (A on the coding strand, the reverse complement: GNB4 is on the minus strand). VCF-style (leftmost placement, unchanged base first): chr3-179419499-AT-A. GRCh37 (hg19) VCF-style: chr3-179137287-AT-A.
Other names: short protein forms S35fs.
Identifiers: ClinVar variation 1401220 (VCV001401220.6), dbSNP rs2108595883, ClinGen allele CA2573136792.